The following is an entry in ClinVar:

ClinVar aggregate classification (germline): Uncertain significance (1 of 4 stars; one submission).

Submission:

Labcorp Genetics (formerly Invitae), Labcorp
Classification: Uncertain significance. Last evaluated: 2025-05-15. Review status: criteria provided, single submitter. Criteria: Invitae Variant Classification Sherloc (09022015). Collection method: clinical testing. Allele origin: germline.
Comment: This sequence change replaces proline, which is neutral and non-polar, with serine, which is neutral and polar, at codon 164 of the KLHDC8B protein (p.Pro164Ser). This variant is not present in population databases (gnomAD no frequency). This variant has not been reported in the literature in individuals affected with KLHDC8B-related conditions. An algorithm developed to predict the effect of missense changes on protein structure and function (PolyPhen-2) suggests that this variant is likely to be disruptive. In summary, the available evidence is currently insufficient to determine the role of this variant in disease. Therefore, it has been classified as a Variant of Uncertain Significance.

NM_173546.3(KLHDC8B):c.490C>T (p.Pro164Ser)

Gene: KLHDC8B (kelch domain containing 8B; plus strand). Cytogenetic location: 3p21.31.
Variant type: single nucleotide variant.
Coding change: c.490C>T on transcript NM_173546.3 (MANE Select); coding-DNA position 490, C replaced by T.
Protein change: p.Pro164Ser; replaces proline 164 with serine.
Molecular consequence: missense variant.
Genome position (GRCh38, 1-based): chr3:49,174,352, C>T. VCF-style: chr3-49174352-C-T. GRCh37 (hg19) VCF-style: chr3-49211785-C-T.
Other names: short protein forms P164S.
Identifiers: ClinVar variation 4746851 (VCV004746851.1).
Genomic context (GRCh38, chr3:49,174,352, plus strand): 5'-CAGGTACGTGTGTATGAGCCCCGTCGGGACTGCTGGCTTTCGCTACCCTCCATGCCCACA[C>T]CCTGCTATGGGGCCTCCACCTTCCTGCACGGGAACAAGATCTATGTCCTGGGTAAGGGCC-3'
Protein context (NP_775817.1, residues 154-174): CWLSLPSMPT[Pro164Ser]CYGASTFLHG